The following is an entry in ClinVar:

NM_001009944.3(PKD1):c.6512C>T (p.Ala2171Val)

Gene: PKD1 (polycystin 1, transient receptor potential channel interacting; minus strand). Cytogenetic location: 16p13.3.
Variant type: single nucleotide variant.
Coding change: c.6512C>T on transcript NM_001009944.3 (MANE Select); coding-DNA position 6512, C replaced by T.
Protein change: p.Ala2171Val; replaces alanine 2171 with valine.
Molecular consequence: missense variant.
Genome position (GRCh38, 1-based): chr16:2,108,655, G>A on the plus strand (C>T on the coding strand, the complement: PKD1 is on the minus strand). VCF-style: chr16-2108655-G-A. GRCh37 (hg19) VCF-style: chr16-2158656-G-A.
Other names: c.6512C>T, p.Ala2171Val (NM_000296.4); short protein forms A2171V.
Identifiers: ClinVar variation 3253317 (VCV003253317.3), dbSNP rs755655916.

ClinVar aggregate classification (germline): Uncertain significance. Review status: criteria provided, multiple submitters, no conflicts (2 of 4 stars). 3 submissions from 3 submitters: Uncertain significance (3). Last evaluated 2024-01-04.

Conditions:
Polycystic kidney disease, adult type (PKD1). Also called: Polycystic Kidney Disease 1, Autosomal Dominant; Polycystic kidney disease 1; Polycystic kidney disease 1, severe; POLYCYSTIC KIDNEY DISEASE 1 WITH OR WITHOUT POLYCYSTIC LIVER DISEASE; POLYCYSTIC KIDNEY DISEASE, ADULT, TYPE I; Polycystic Kidney, Autosomal Dominant. Identifiers: MedGen C3149841, MONDO:0008263, OMIM 173900.

Allele frequency attached by ClinVar (database versions not stated): ExAC 0.00008.
gnomAD v4.1: 103 of 1,563,684 alleles (0.0066%); highest among the groups gnomAD compares: Non-Finnish European, 0.0082%; no homozygotes.

Submissions (3):

Fulgent Genetics
Classification: Uncertain significance for Polycystic kidney disease, adult type. Last evaluated: 2024-01-04. Review status: criteria provided, single submitter. Criteria: ACMG Guidelines, 2015. Collection method: clinical testing. Allele origin: germline.

GeneDx
Classification: Uncertain significance. Last evaluated: 2023-06-21. Review status: criteria provided, single submitter. Criteria: GeneDx Variant Classification Process June 2021. Collection method: clinical testing. Allele origin: germline. Affected: yes.
Comment: In silico analysis supports that this missense variant does not alter protein structure/function; Has not been previously published as pathogenic or benign to our knowledge

Department of Pathology and Laboratory Medicine, Sinai Health System
Classification: Uncertain significance for Polycystic kidney disease, adult type. Last evaluated: 2020-07-31. Review status: criteria provided, single submitter. Criteria: ACMG Guidelines, 2015. Collection method: clinical testing. Allele origin: germline. Affected: yes.